The following is an entry in ClinVar:

ClinVar aggregate classification (germline): Likely benign. Review status: criteria provided, multiple submitters, no conflicts (2 of 4 stars). 3 submissions from 3 submitters: Likely benign (3). Last evaluated 2024-12-18.

Conditions:
CDH23-related disorder. Also called: CDH23-related condition; CDH23-related disorders.

Allele frequency attached by ClinVar (database versions not stated): gnomAD exomes 0.00002; ExAC 0.00003; gnomAD 0.00003; TOPMed 0.00003.
gnomAD v4.1: 26 of 1,613,796 alleles (0.0016%); highest among the groups gnomAD compares: African/African-American, 0.004%; no homozygotes.

Submissions (3):

PreventionGenetics, part of Exact Sciences
Classification: Likely benign for CDH23-related condition. Last evaluated: 2024-12-18. Review status: criteria provided, single submitter. Criteria: ACMG Guidelines, 2015. Collection method: clinical testing. Allele origin: germline.
Comment: This variant is classified as likely benign based on ACMG/AMP sequence variant interpretation guidelines (Richards et al. 2015 PMID: 25741868, with internal and published modifications).

Labcorp Genetics (formerly Invitae), Labcorp
Classification: Likely benign. Last evaluated: 2024-10-09. Review status: criteria provided, single submitter. Criteria: Invitae Variant Classification Sherloc (09022015). Collection method: clinical testing. Allele origin: germline.

Blueprint Genetics
Classification: Likely benign. Last evaluated: 2023-04-14. Review status: criteria provided, single submitter. Criteria: ACMG Guidelines, 2015. Collection method: clinical testing. Allele origin: germline.

NM_022124.6(CDH23):c.5277G>A (p.Pro1759=)

Gene: CDH23 (cadherin related 23; plus strand). Cytogenetic location: 10q22.1.
Variant type: single nucleotide variant.
Coding change: c.5277G>A on transcript NM_022124.6 (MANE Select); coding-DNA position 5277, G replaced by A.
Protein change: p.Pro1759=; no amino-acid change (proline 1759 retained).
Molecular consequence: synonymous variant.
Genome position (GRCh38, 1-based): chr10:71,779,356, G>A. VCF-style: chr10-71779356-G-A. GRCh37 (hg19) VCF-style: chr10-73539113-G-A.
Other names: c.5277G>A (NM_022124.5).
Identifiers: ClinVar variation 1125990 (VCV001125990.11), dbSNP rs767867791, ClinGen allele CA5545701.